The following is an entry in ClinVar:

ClinVar aggregate classification (germline): Uncertain significance (1 of 4 stars; one submission).

Submission:

Labcorp Genetics (formerly Invitae), Labcorp
Classification: Uncertain significance. Last evaluated: 2022-01-06. Review status: criteria provided, single submitter. Criteria: Invitae Variant Classification Sherloc (09022015). Collection method: clinical testing. Allele origin: germline.
Comment: This variant, c.954_955delinsAT, is a complex sequence change that results in the deletion of 2 and insertion of 2 amino acid(s) in the TEAD1 protein (p.Met318_Thr319delinsIleSer). Information on the frequency of this variant in the gnomAD database is not available, as this variant may be reported differently in the database. This variant has not been reported in the literature in individuals affected with TEAD1-related conditions. ClinVar contains an entry for this variant (Variation ID: 1042760). Experimental studies and prediction algorithms are not available or were not evaluated, and the functional significance of this variant is currently unknown. In summary, the available evidence is currently insufficient to determine the role of this variant in disease. Therefore, it has been classified as a Variant of Uncertain Significance.

NM_021961.6(TEAD1):c.954_955delinsAT (p.Met318_Thr319delinsIleSer)

Gene: TEAD1 (TEA domain transcription factor 1; plus strand). Cytogenetic location: 11p15.3.
Variant type: Indel.
Coding change: c.954_955delinsAT on transcript NM_021961.6 (MANE Select); coding-DNA positions 954 to 955, GA replaced by AT.
Protein change: p.Met318_Thr319delinsIleSer.
Molecular consequence: missense variant.
Genome position (GRCh38, 1-based): chr11:12,924,992-12,924,993, GA replaced by AT. VCF-style: chr11-12924992-GA-AT. GRCh37 (hg19) VCF-style: chr11-12946539-GA-AT.
Identifiers: ClinVar variation 1042760 (VCV001042760.8), dbSNP rs1948881935, ClinGen allele CA1953058227.